The following is an entry in ClinVar:

NM_000059.4(BRCA2):c.4557T>C (p.Pro1519=)

Gene: BRCA2 (BRCA2 DNA repair associated; plus strand). Cytogenetic location: 13q13.1.
Variant type: single nucleotide variant.
Coding change: c.4557T>C on transcript NM_000059.4 (MANE Select); coding-DNA position 4557, T replaced by C.
Protein change: p.Pro1519=; no amino-acid change (proline 1519 retained).
Molecular consequence: synonymous variant.
Genome position (GRCh38, 1-based): chr13:32,338,912, T>C. VCF-style: chr13-32338912-T-C. GRCh37 (hg19) VCF-style: chr13-32913049-T-C.
Identifiers: ClinVar variation 380263 (VCV000380263.43), dbSNP rs1057520812, ClinGen allele CA16606425.

ClinVar aggregate classification (germline): Likely benign. Review status: criteria provided, multiple submitters, no conflicts (2 of 4 stars). 6 submissions from 6 submitters: Likely benign (6). Last evaluated 2025-12-14.

Conditions:
Hereditary cancer-predisposing syndrome. Also called: Tumor predisposition; Hereditary Cancer Syndrome; Hereditary neoplastic syndrome; Neoplastic Syndromes, Hereditary. Identifiers: Orphanet 140162, MedGen C0027672, MeSH D009386, MONDO:0015356.
Hereditary breast ovarian cancer syndrome. Also called: Hereditary breast and ovarian cancer; Hereditary breast and ovarian cancer syndrome; Hereditary breast and/or ovarian cancer syndrome; Hereditary breast and ovarian cancer syndrome (HBOC); BRCA1- and BRCA2-Associated Hereditary Breast and Ovarian Cancer; Breast and ovarian cancer. Identifiers: Orphanet 145, MedGen C0677776, MeSH D061325, MONDO:0003582. Disease mechanism: loss of function.

Allele frequency attached by ClinVar (database versions not stated): gnomAD exomes below 0.00001.

Submissions (6):

Labcorp Genetics (formerly Invitae), Labcorp
Classification: Likely benign for Hereditary breast ovarian cancer syndrome. Last evaluated: 2025-12-14. Review status: criteria provided, single submitter. Criteria: Invitae Variant Classification Sherloc (09022015). Collection method: clinical testing. Allele origin: germline.

Women's Health and Genetics/Laboratory Corporation of America, LabCorp
Classification: Likely benign. Last evaluated: 2025-07-08. Review status: criteria provided, single submitter. Criteria: LabCorp Variant Classification Summary - May 2015. Collection method: clinical testing. Allele origin: germline.

Blueprint Genetics
Classification: Likely benign. Last evaluated: 2024-08-14. Review status: criteria provided, single submitter. Criteria: ACMG Guidelines, 2015. Collection method: clinical testing. Allele origin: germline.

CeGaT Center for Human Genetics Tuebingen
Classification: Likely benign. Last evaluated: 2024-08-01. Review status: criteria provided, single submitter. Criteria: CeGaT Center For Human Genetics Tuebingen Variant Classification Criteria Version 2. Collection method: clinical testing. Allele origin: germline. Affected: yes. Observed: 3 variant alleles.
Comment: BRCA2: BP4, BP7

Ambry Genetics
Classification: Likely benign for Hereditary cancer-predisposing syndrome. Last evaluated: 2023-03-17. Review status: criteria provided, single submitter. Criteria: Ambry Variant Classification Scheme 2023. Collection method: clinical testing. Allele origin: germline.

GeneDx
Classification: Likely benign. Last evaluated: 2016-11-23. Review status: criteria provided, single submitter. Criteria: GeneDx Variant Classification (06012015). Collection method: clinical testing. Allele origin: germline. Affected: yes.
Comment: This variant is considered likely benign or benign based on one or more of the following criteria: it is a conservative change, it occurs at a poorly conserved position in the protein, it is predicted to be benign by multiple in silico algorithms, and/or has population frequency not consistent with disease.